The following is an entry in ClinVar:

NM_001174147.2(LMX1B):c.410A>G (p.His137Arg)

Gene: LMX1B (LIM homeobox transcription factor 1 beta; plus strand). Cytogenetic location: 9q33.3.
Variant type: single nucleotide variant.
Coding change: c.410A>G on transcript NM_001174147.2 (MANE Select); coding-DNA position 410, A replaced by G.
Protein change: p.His137Arg; replaces histidine 137 with arginine.
Molecular consequence: missense variant.
Genome position (GRCh38, 1-based): chr9:126,690,919, A>G. VCF-style: chr9-126690919-A-G. GRCh37 (hg19) VCF-style: chr9-129453198-A-G.
Other names: c.410A>G, p.His137Arg (NM_001174146.2, NM_002316.4); short protein forms H137R.
Identifiers: ClinVar variation 3720899 (VCV003720899.2).

ClinVar aggregate classification (germline): Uncertain significance (1 of 4 stars; one submission).

Submission:

Labcorp Genetics (formerly Invitae), Labcorp
Classification: Uncertain significance. Last evaluated: 2024-06-30. Review status: criteria provided, single submitter. Criteria: Invitae Variant Classification Sherloc (09022015). Collection method: clinical testing. Allele origin: germline.
Comment: This sequence change replaces histidine, which is basic and polar, with arginine, which is basic and polar, at codon 137 of the LMX1B protein (p.His137Arg). This variant is not present in population databases (gnomAD no frequency). This missense change has been observed in individual(s) with nail-patella syndrome (PMID: 15498463). Advanced modeling of protein sequence and biophysical properties (such as structural, functional, and spatial information, amino acid conservation, physicochemical variation, residue mobility, and thermodynamic stability) performed at Invitae indicates that this missense variant is expected to disrupt LMX1B protein function with a positive predictive value of 80%. This variant disrupts the p.His137 amino acid residue in LMX1B. Other variant(s) that disrupt this residue have been observed in individuals with LMX1B-related conditions (PMID: 11668639, 19194568), which suggests that this may be a clinically significant amino acid residue. In summary, the available evidence is currently insufficient to determine the role of this variant in disease. Therefore, it has been classified as a Variant of Uncertain Significance.

Literature cited by the submitters: PubMed 15498463; PubMed 11668639; PubMed 19194568.